The following is an entry in ClinVar:

NM_000020.3(ACVRL1):c.431G>A (p.Arg144Gln)

Gene: ACVRL1 (activin A receptor like type 1; plus strand). Cytogenetic location: 12q13.13.
Variant type: single nucleotide variant.
Coding change: c.431G>A on transcript NM_000020.3 (MANE Select); coding-DNA position 431, G replaced by A.
Protein change: p.Arg144Gln; replaces arginine 144 with glutamine.
Molecular consequence: missense variant.
Genome position (GRCh38, 1-based): chr12:51,913,676, G>A. VCF-style: chr12-51913676-G-A. GRCh37 (hg19) VCF-style: chr12-52307460-G-A.
Other names: c.431G>A, p.Arg144Gln (NM_001077401.2); short protein forms R144Q.
Identifiers: ClinVar variation 881841 (VCV000881841.7), dbSNP rs778058646, ClinGen allele CA6572903.

ClinVar aggregate classification (germline): Uncertain significance. Review status: criteria provided, multiple submitters, no conflicts (2 of 4 stars). 3 submissions from 3 submitters: Uncertain significance (3). Last evaluated 2023-05-08.

Conditions:
Telangiectasia, hereditary hemorrhagic, type 2 (HHT2). Also called: ACVRL1-Related Hereditary Hemorrhagic Telangiectasia; Telangiectasia, hereditary hemorrhagic, type II. Identifiers: Orphanet 774, MedGen C1838163, MONDO:0010880, OMIM 600376. Disease mechanism: loss of function.

Allele frequency attached by ClinVar (database versions not stated): gnomAD exomes 0.00002; ExAC 0.00003; TOPMed 0.00003.
gnomAD v4.1: 15 of 1,610,370 alleles (0.00093%); highest among the groups gnomAD compares: Middle Eastern, 0.016%; no homozygotes.

Submissions (3):

Labcorp Genetics (formerly Invitae), Labcorp
Classification: Uncertain significance for Telangiectasia, hereditary hemorrhagic, type 2. Last evaluated: 2023-05-08. Review status: criteria provided, single submitter. Criteria: Invitae Variant Classification Sherloc (09022015). Collection method: clinical testing. Allele origin: germline.
Comment: In summary, the available evidence is currently insufficient to determine the role of this variant in disease. Therefore, it has been classified as a Variant of Uncertain Significance. Advanced modeling of protein sequence and biophysical properties (such as structural, functional, and spatial information, amino acid conservation, physicochemical variation, residue mobility, and thermodynamic stability) has been performed at Invitae for this missense variant, however the output from this modeling did not meet the statistical confidence thresholds required to predict the impact of this variant on ACVRL1 protein function. ClinVar contains an entry for this variant (Variation ID: 881841). This variant has not been reported in the literature in individuals affected with ACVRL1-related conditions. This variant is present in population databases (rs778058646, gnomAD 0.007%). This sequence change replaces arginine, which is basic and polar, with glutamine, which is neutral and polar, at codon 144 of the ACVRL1 protein (p.Arg144Gln).

Fulgent Genetics
Classification: Uncertain significance for Telangiectasia, hereditary hemorrhagic, type 2. Last evaluated: 2021-08-13. Review status: criteria provided, single submitter. Criteria: ACMG Guidelines, 2015. Collection method: clinical testing. Allele origin: unknown.

Illumina Laboratory Services, Illumina
Classification: Uncertain significance for Telangiectasia, hereditary hemorrhagic, type 2. Last evaluated: 2018-01-12. Review status: criteria provided, single submitter. Criteria: ICSL Variant Classification Criteria 13 December 2019. Collection method: clinical testing. Allele origin: germline.